The following is an entry in ClinVar:

NM_007194.4(CHEK2):c.250G>T (p.Glu84Ter)

Gene: CHEK2 (checkpoint kinase 2; minus strand). Cytogenetic location: 22q12.1.
Variant type: single nucleotide variant.
Coding change: c.250G>T on transcript NM_007194.4 (MANE Select); coding-DNA position 250, G replaced by T.
Protein change: p.Glu84Ter; replaces glutamic acid 84 with a stop codon.
Molecular consequence: nonsense.
Genome position (GRCh38, 1-based): chr22:28,734,472, C>A on the plus strand (G>T on the coding strand, the complement: CHEK2 is on the minus strand). VCF-style: chr22-28734472-C-A. GRCh37 (hg19) VCF-style: chr22-29130460-C-A.
Other names: c.250G>T, p.Glu84Ter (NM_001005735.3, NM_001349956.3, NM_145862.3); c.-528G>T (NM_001257387.3); short protein forms E84*.
Identifiers: ClinVar variation 2583293 (VCV002583293.2), dbSNP rs2146146010, ClinGen allele CA411090569.

ClinVar aggregate classification (germline): Pathogenic (1 of 4 stars; one submission).

Conditions:
Familial cancer of breast. Also called: Hereditary breast cancer; BREAST CANCER, FAMILIAL; hereditary breast carcinoma. Identifiers: Orphanet 227535, MedGen C0346153, MONDO:0016419, OMIM 114480. Disease mechanism: loss of function.

Submission:

Myriad Genetics, Inc.
Classification: Pathogenic for Familial cancer of breast. Last evaluated: 2023-06-23. Review status: criteria provided, single submitter. Criteria: Myriad Autosomal Dominant, Autosomal Recessive and X-Linked Classification Criteria (2023). Collection method: clinical testing. Allele origin: unknown.
Comment: This variant is considered pathogenic. This variant creates a termination codon and is predicted to result in premature protein truncation.